The following is an entry in ClinVar:

ClinVar aggregate classification (germline): Uncertain significance (1 of 4 stars; one submission).

Allele frequency attached by ClinVar (database versions not stated): gnomAD exomes below 0.00001.
gnomAD v4.1: 1 of 1,614,002 alleles (0.000062%); highest among the groups gnomAD compares: African/African-American, 0.0013%; no homozygotes.

Submission:

Labcorp Genetics (formerly Invitae), Labcorp
Classification: Uncertain significance. Last evaluated: 2023-11-27. Review status: criteria provided, single submitter. Criteria: Invitae Variant Classification Sherloc (09022015). Collection method: clinical testing. Allele origin: germline.
Comment: This sequence change replaces proline, which is neutral and non-polar, with leucine, which is neutral and non-polar, at codon 315 of the PCLO protein (p.Pro315Leu). This variant is not present in population databases (gnomAD no frequency). This variant has not been reported in the literature in individuals affected with PCLO-related conditions. ClinVar contains an entry for this variant (Variation ID: 1349486). Experimental studies and prediction algorithms are not available or were not evaluated, and the functional significance of this variant is currently unknown. In summary, the available evidence is currently insufficient to determine the role of this variant in disease. Therefore, it has been classified as a Variant of Uncertain Significance.

NM_033026.6(PCLO):c.944C>T (p.Pro315Leu)

Gene: PCLO (piccolo presynaptic cytomatrix protein; minus strand). Cytogenetic location: 7q21.11.
Variant type: single nucleotide variant.
Coding change: c.944C>T on transcript NM_033026.6 (MANE Select); coding-DNA position 944, C replaced by T.
Protein change: p.Pro315Leu; replaces proline 315 with leucine.
Molecular consequence: missense variant.
Genome position (GRCh38, 1-based): chr7:83,155,697, G>A on the plus strand (C>T on the coding strand, the complement: PCLO is on the minus strand). VCF-style: chr7-83155697-G-A. GRCh37 (hg19) VCF-style: chr7-82785013-G-A.
Other names: c.944C>T, p.Pro315Leu (NM_014510.3); short protein forms P315L.
Identifiers: ClinVar variation 1349486 (VCV001349486.8), dbSNP rs2116690969, ClinGen allele CA367918520.
Genomic context (GRCh38, chr7:83,155,697, plus strand): 5'-GGCTGAGCTGGGGGCTTTGCAGGCCCAGGCTGTGATTTTTCATGTCCAGGCTGCTGTGCT[G>A]GAGGTTTTCCAGGAGTTGGTTGCTGAATAGGTGGTTTGGATGGGCTTGGCAGTGAGGGTT-3'
Protein context (NP_149015.2, residues 305-325): PIQQPTPGKP[Pro315Leu]AQQPGHEKSQ